The following is an entry in ClinVar:

ClinVar aggregate classification (germline): Conflicting classifications of pathogenicity. Review status: criteria provided, conflicting classifications (1 of 4 stars). 5 submissions from 5 submitters: Uncertain significance (2); Benign (2). 1 of the submissions does not count toward it. Last evaluated 2026-01-23.

Conditions:
Hereditary cancer-predisposing syndrome. Also called: Tumor predisposition; Hereditary neoplastic syndrome; Hereditary Cancer Syndrome; Neoplastic Syndromes, Hereditary. Identifiers: Orphanet 140162, MedGen C0027672, MeSH D009386, MONDO:0015356.
EGFR-related lung cancer (EGFR). Identifiers: MedGen CN130014.
EGFR-related disorder. Also called: EGFR-related condition.

Allele frequency attached by ClinVar (database versions not stated): gnomAD exomes 0.00002 and 0.00005; TOPMed 0.00002; gnomAD 0.00003 and 0.00007; ExAC 0.00007; 1000 Genomes Project 30x 0.00047; 1000 Genomes Project 0.00060.
gnomAD v4.1: 51 of 1,614,120 alleles (0.0032%); highest among the groups gnomAD compares: East Asian, 0.027%; 1 homozygote.

Submissions (5):

Labcorp Genetics (formerly Invitae), Labcorp
Classification: Benign for EGFR-related lung cancer. Last evaluated: 2026-01-23. Review status: criteria provided, single submitter. Criteria: Invitae Variant Classification Sherloc (09022015). Collection method: clinical testing. Allele origin: germline.

Ambry Genetics
Classification: Benign for Hereditary cancer-predisposing syndrome. Last evaluated: 2024-10-28. Review status: criteria provided, single submitter. Criteria: Ambry Variant Classification Scheme 2023. Collection method: clinical testing. Allele origin: germline.

Sema4
Classification: Uncertain significance for Hereditary cancer-predisposing syndrome. Last evaluated: 2021-06-07. Review status: criteria provided, single submitter. Criteria: Sema4 Curation Guidelines. Collection method: curation. Allele origin: germline.
Comment: The EGFR c.758A>G (p.K253R) variant has been reported in heterozygosity in at least one individuals with breast cancer (PMID: 320914409). It was observed in 10/19952 chromosomes of the East Asian subpopulation, with no homozygotes, in the large and broad cohorts of the Genome Aggregation Database. The variant has been reported in ClinVar (Variation ID 936935). In silico tools suggest the impact of the variant on protein function is inconclusive, though these predictions have not been confirmed by functional studies. The evidence is insufficient to meet ACMG/AMP criteria for classifying the variant as benign or pathogenic. Thus, the clinical significance of this variant is currently uncertain.

Breakthrough Genomics
Classification: Uncertain significance. Review status: criteria provided, single submitter. Criteria: ACMG Guidelines, 2015. Collection method: not provided. Allele origin: germline. Inheritance: Autosomal recessive inheritance. Affected: yes.

PreventionGenetics, part of Exact Sciences
Classification: Uncertain significance for EGFR-related condition. Last evaluated: 2024-08-07. Review status: no assertion criteria provided. Collection method: clinical testing. Allele origin: germline. Not counted in ClinVar's aggregate classification.
Comment: The EGFR c.758A>G variant is predicted to result in the amino acid substitution p.Lys253Arg. This variant is reported in 0.050% of alleles in individuals of East Asian descent in gnomAD and has conflicting interpretations in ClinVar ranging from benign to uncertain significance. At this time, the clinical significance of this variant is uncertain due to the absence of conclusive functional and genetic evidence.

NM_005228.5(EGFR):c.758A>G (p.Lys253Arg)

Gene: EGFR (epidermal growth factor receptor; plus strand). Cytogenetic location: 7p11.2.
Variant type: single nucleotide variant.
Coding change: c.758A>G on transcript NM_005228.5 (MANE Select); coding-DNA position 758, A replaced by G.
Protein change: p.Lys253Arg; replaces lysine 253 with arginine.
Molecular consequence: missense variant. On other transcripts: intron variant (1).
Genome position (GRCh38, 1-based): chr7:55,154,021, A>G. VCF-style: chr7-55154021-A-G. GRCh37 (hg19) VCF-style: chr7-55221714-A-G.
Other names: c.623A>G, p.Lys208Arg (NM_001346897.2, NM_001346899.2); c.758A>G, p.Lys253Arg (NM_001346898.2, NM_201282.2, NM_201283.2 and 1 more transcripts); c.599A>G, p.Lys200Arg (NM_001346900.2); c.89-1809A>G (NM_001346941.2); c.758A>G (NM_005228.4); short protein forms K208R, K200R, K253R.
Identifiers: ClinVar variation 936935 (VCV000936935.12), dbSNP rs374084791, ClinGen allele CA4265356.